The following is an entry in ClinVar:

ClinVar aggregate classification (germline): Benign/Likely benign. Review status: criteria provided, multiple submitters, no conflicts (2 of 4 stars). 3 submissions from 3 submitters: Benign (1); Likely benign (2). Last evaluated 2026-04-29.

Conditions:
Colorectal cancer, hereditary nonpolyposis, type 7. Identifiers: Orphanet 144, MedGen C1858380, MONDO:0013725, OMIM 614385.

Allele frequency attached by ClinVar (database versions not stated): ExAC 0.00001; ESP Exome Variant Server 0.00008; TOPMed 0.00013; gnomAD exomes 0.00001 and below 0.00001; gnomAD 0.00003.
gnomAD v4.1: 9 of 1,614,004 alleles (0.00056%); highest among the groups gnomAD compares: Admixed American, 0.01%; no homozygotes.

Submissions (3):

Myriad Genetics, Inc.
Classification: Benign for Colorectal cancer, hereditary nonpolyposis, type 7. Last evaluated: 2026-04-29. Review status: criteria provided, single submitter. Criteria: Myriad Autosomal Dominant, Autosomal Recessive and X-Linked Classification Criteria (2023). Collection method: clinical testing. Allele origin: unknown.
Comment: This variant is considered benign. This variant is a silent/synonymous amino acid change and it is not expected to impact splicing.

Labcorp Genetics (formerly Invitae), Labcorp
Classification: Likely benign for Colorectal cancer, hereditary nonpolyposis, type 7. Last evaluated: 2023-11-24. Review status: criteria provided, single submitter. Criteria: Invitae Variant Classification Sherloc (09022015). Collection method: clinical testing. Allele origin: germline.

Ambry Genetics
Classification: Likely benign. Last evaluated: 2022-04-07. Review status: criteria provided, single submitter. Criteria: Ambry Variant Classification Scheme 2023. Collection method: clinical testing. Allele origin: germline.

NM_001040108.2(MLH3):c.816A>G (p.Leu272=)

Gene: MLH3 (mutL homolog 3; minus strand). Cytogenetic location: 14q24.3.
Variant type: single nucleotide variant.
Coding change: c.816A>G on transcript NM_001040108.2 (MANE Select); coding-DNA position 816, A replaced by G.
Protein change: p.Leu272=; no amino-acid change (leucine 272 retained).
Molecular consequence: synonymous variant.
Genome position (GRCh38, 1-based): chr14:75,048,840, T>C on the plus strand (A>G on the coding strand, the complement: MLH3 is on the minus strand). VCF-style: chr14-75048840-T-C. GRCh37 (hg19) VCF-style: chr14-75515543-T-C.
Other names: c.816A>G, p.Leu272= (NM_014381.3).
Identifiers: ClinVar variation 1154925 (VCV001154925.12), dbSNP rs147608238, ClinGen allele CA7275966.